The following is an entry in ClinVar:

ClinVar aggregate classification (germline): Uncertain significance (1 of 4 stars; one submission).

Conditions:
Myoclonic dystonia 11 (DYT11). Also called: Myoclonic dystonia; Dystonia 11; Dystonia, alcohol responsive; Hereditary essential myoclonus; SGCE Myoclonus-Dystonia; Myoclonus-Dystonia. Identifiers: Orphanet 36899, MedGen C1834570, MONDO:0008044, OMIM 159900.

Allele frequency attached by ClinVar (database versions not stated): TOPMed below 0.00001.

Submission:

Labcorp Genetics (formerly Invitae), Labcorp
Classification: Uncertain significance for Myoclonic dystonia 11. Last evaluated: 2022-07-13. Review status: criteria provided, single submitter. Criteria: Invitae Variant Classification Sherloc (09022015). Collection method: clinical testing. Allele origin: germline.
Comment: In summary, the available evidence is currently insufficient to determine the role of this variant in disease. Therefore, it has been classified as a Variant of Uncertain Significance. Algorithms developed to predict the effect of missense changes on protein structure and function are either unavailable or do not agree on the potential impact of this missense change (SIFT: "Deleterious"; PolyPhen-2: "Probably Damaging"; Align-GVGD: "Class C0"). This variant has not been reported in the literature in individuals affected with SGCE-related conditions. This variant is not present in population databases (gnomAD no frequency). This sequence change replaces valine, which is neutral and non-polar, with glycine, which is neutral and non-polar, at codon 211 of the SGCE protein (p.Val211Gly).

NM_003919.3(SGCE):c.632T>G (p.Val211Gly)

Genes: CASD1 (CAS1 domain sialic acid O acetyltransferase 1; plus strand), SGCE (sarcoglycan epsilon; minus strand). Cytogenetic location: 7q21.3.
Variant type: single nucleotide variant.
Coding change: c.632T>G on transcript NM_003919.3 (MANE Select); coding-DNA position 632, T replaced by G.
Protein change: p.Val211Gly; replaces valine 211 with glycine.
Molecular consequence: missense variant.
Genome position (GRCh38, 1-based): chr7:94,618,788, A>C on the plus strand (T>G on the coding strand, the complement: SGCE is on the minus strand). VCF-style: chr7-94618788-A-C. GRCh37 (hg19) VCF-style: chr7-94248100-A-C.
Other names: c.632T>G, p.Val211Gly (NM_001099400.2, NM_001099401.2, NM_001346717.2); c.509T>G, p.Val170Gly (NM_001301139.2, NM_001362809.2); c.740T>G, p.Val247Gly (NM_001346713.2, NM_001346715.2); c.545T>G, p.Val182Gly (NM_001346719.2, NM_001362807.2); c.359T>G, p.Val120Gly (NM_001346720.2, NM_001362808.2); short protein forms V247G, V120G, V170G, V182G, V211G.
Identifiers: ClinVar variation 2140079 (VCV002140079.4), dbSNP rs1584637715, ClinGen allele CA368235154.